The following is an entry in ClinVar:

ClinVar aggregate classification (germline): Benign (1 of 4 stars; one submission).

Allele frequency attached by ClinVar (database versions not stated): 1000 Genomes Project 0.00300; 1000 Genomes Project 30x 0.00328; TOPMed 0.00696; gnomAD exomes 0.00751; gnomAD 0.00804; ExAC 0.00893.
gnomAD v4.1: 2,302 of 296,930 alleles (0.78%); highest among the groups gnomAD compares: Non-Finnish European, 0.95%; 22 homozygotes.

Submission:

CeGaT Center for Human Genetics Tuebingen
Classification: Benign. Last evaluated: 2022-08-01. Review status: criteria provided, single submitter. Criteria: CeGaT Center For Human Genetics Tuebingen Variant Classification Criteria Version 2. Collection method: clinical testing. Allele origin: germline. Affected: yes. Observed: 1 variant allele.
Comment: AAGAB: BS1, BS2

NM_024666.5(AAGAB):c.535+4901T>A

Gene: AAGAB (alpha and gamma adaptin binding protein; minus strand). Cytogenetic location: 15q23.
Variant type: single nucleotide variant.
Coding change: c.535+4901T>A on transcript NM_024666.5 (MANE Select); 4901 bases into the intron after coding-DNA position 535, T replaced by A.
Molecular consequence: intron variant.
Genome position (GRCh38, 1-based): chr15:67,226,913, A>T on the plus strand (T>A on the coding strand, the complement: AAGAB is on the minus strand). VCF-style: chr15-67226913-A-T. GRCh37 (hg19) VCF-style: chr15-67519251-A-T.
Other names: c.208+4901T>A (NM_001271885.2, NM_001271886.2).
Identifiers: ClinVar variation 1711385 (VCV001711385.30), dbSNP rs184812791, ClinGen allele CA7627063.